The following is an entry in ClinVar:

ClinVar aggregate classification (germline): Uncertain significance (1 of 4 stars; one submission).

Submission:

Labcorp Genetics (formerly Invitae), Labcorp
Classification: Uncertain significance. Last evaluated: 2020-11-18. Review status: criteria provided, single submitter. Criteria: Invitae Variant Classification Sherloc (09022015). Collection method: clinical testing. Allele origin: germline.
Comment: In summary, the available evidence is currently insufficient to determine the role of this variant in disease. Therefore, it has been classified as a Variant of Uncertain Significance. Algorithms developed to predict the effect of missense changes on protein structure and function are either unavailable or do not agree on the potential impact of this missense change (SIFT: "Deleterious"; PolyPhen-2: "Possibly Damaging"; Align-GVGD: "Class C0"). This variant has not been reported in the literature in individuals with TONSL-related conditions. This variant is not present in population databases (ExAC no frequency). This sequence change replaces isoleucine with leucine at codon 396 of the TONSL protein (p.Ile396Leu). The isoleucine residue is highly conserved and there is a small physicochemical difference between isoleucine and leucine.

NM_013432.5(TONSL):c.1186A>C (p.Ile396Leu)

Gene: TONSL (tonsoku like, DNA repair protein; minus strand). Cytogenetic location: 8q24.3.
Variant type: single nucleotide variant.
Coding change: c.1186A>C on transcript NM_013432.5 (MANE Select); coding-DNA position 1186, A replaced by C.
Protein change: p.Ile396Leu; replaces isoleucine 396 with leucine.
Molecular consequence: missense variant.
Genome position (GRCh38, 1-based): chr8:144,440,455, T>G on the plus strand (A>C on the coding strand, the complement: TONSL is on the minus strand). VCF-style: chr8-144440455-T-G. GRCh37 (hg19) VCF-style: chr8-145665838-T-G.
Other names: short protein forms I396L.
Identifiers: ClinVar variation 1461092 (VCV001461092.8), dbSNP rs770300295, ClinGen allele CA372669903.
Genomic context (GRCh38, chr8:144,440,455, plus strand): 5'-TCTGGAAGCACGGGGCCAGCAGCTCGTAGGCATCGCCGGCCTCCTCGCGGGACAGTGCAA[T>G]GTTCAGCCAGGTCTTGGCCTCCTGGAGCAGGAGGAAGGACAGGGTCGGGGGCTGCCGCTG-3'
Protein context (NP_038460.4, residues 386-406): VLEEAKTWLN[Ile396Leu]ALSREEAGDA